The following is an entry in ClinVar:

NM_007294.4(BRCA1):c.1826A>G (p.Asn609Ser)

Gene: BRCA1 (BRCA1 DNA repair associated; minus strand). Cytogenetic location: 17q21.31.
Variant type: single nucleotide variant.
Coding change: c.1826A>G on transcript NM_007294.4 (MANE Select); coding-DNA position 1826, A replaced by G.
Protein change: p.Asn609Ser; replaces asparagine 609 with serine.
Molecular consequence: missense variant. On other transcripts: intron variant (137).
Genome position (GRCh38, 1-based): chr17:43,093,705, T>C on the plus strand (A>G on the coding strand, the complement: BRCA1 is on the minus strand). VCF-style: chr17-43093705-T-C. GRCh37 (hg19) VCF-style: chr17-41245722-T-C.
Other names: c.1700A>G, p.Asn567Ser (NM_001407649.1, NM_001407670.1, NM_001407671.1 and 11 more transcripts); c.1826A>G, p.Asn609Ser (NM_001407652.1, NM_001407684.1, NM_001407854.1 and 30 more transcripts); c.1748A>G, p.Asn583Ser (NM_001407653.1, NM_001407654.1, NM_001407655.1 and 4 more transcripts); c.1745A>G, p.Asn582Ser (NM_001407659.1, NM_001407660.1, NM_001407661.1 and 1 more transcripts); c.1703A>G, p.Asn568Ser (NM_001407664.1, NM_001407665.1, NM_001407666.1 and 19 more transcripts); c.1685A>G, p.Asn562Ser (NM_001407692.1, NM_001407694.1, NM_001407695.1 and 29 more transcripts); c.1682A>G, p.Asn561Ser (NM_001407740.1, NM_001407741.1, NM_001407742.1 and 20 more transcripts); c.1613A>G, p.Asn538Ser (NM_001407853.1, NM_001407894.1, NM_001407895.1 and 9 more transcripts); and 40 more; short protein forms N609S, N562S, N482S, N497S, N498S, N521S, N542S, N583S.
Identifiers: ClinVar variation 37429 (VCV000037429.20), dbSNP rs80357236, ClinGen allele CA001189.

ClinVar aggregate classification (germline): Conflicting classifications of pathogenicity. Review status: criteria provided, conflicting classifications (1 of 4 stars). 7 submissions from 7 submitters: Uncertain significance (4); Likely benign (1). 2 of the submissions do not count toward it. Last evaluated 2025-08-03.

Conditions:
Hereditary cancer-predisposing syndrome. Also called: Tumor predisposition; Neoplastic Syndromes, Hereditary; Hereditary Cancer Syndrome; Hereditary neoplastic syndrome. Identifiers: Orphanet 140162, MedGen C0027672, MeSH D009386, MONDO:0015356.
Hereditary breast ovarian cancer syndrome. Also called: Hereditary breast and ovarian cancer syndrome (HBOC); Hereditary breast and ovarian cancer syndrome; Hereditary breast and ovarian cancer; Hereditary breast and/or ovarian cancer syndrome; Breast and ovarian cancer; BRCA1- and BRCA2-Associated Hereditary Breast and Ovarian Cancer. Identifiers: Orphanet 145, MedGen C0677776, MeSH D061325, MONDO:0003582. Disease mechanism: loss of function.
Breast-ovarian cancer, familial, susceptibility to, 1 (BROVCA1). Also called: OVARIAN CANCER, SUSCEPTIBILITY TO; BRCA1 Hereditary Breast and Ovarian Cancer. Identifiers: Orphanet 145, MedGen C2676676, MONDO:0011450, OMIM 604370. Disease mechanism: loss of function.

Allele frequency attached by ClinVar (database versions not stated): gnomAD exomes below 0.00001.
gnomAD v4.1: 3 of 1,614,088 alleles (0.00019%); highest among the groups gnomAD compares: Non-Finnish European, 0.00025%; no homozygotes.

Submissions (7):

Labcorp Genetics (formerly Invitae), Labcorp
Classification: Uncertain significance for Hereditary breast ovarian cancer syndrome. Last evaluated: 2025-08-03. Review status: criteria provided, single submitter. Criteria: Invitae Variant Classification Sherloc (09022015). Collection method: clinical testing. Allele origin: germline.
Comment: This sequence change replaces asparagine, which is neutral and polar, with serine, which is neutral and polar, at codon 609 of the BRCA1 protein (p.Asn609Ser). This variant is not present in population databases (gnomAD no frequency). This variant has not been reported in the literature in individuals affected with BRCA1-related conditions. ClinVar contains an entry for this variant (Variation ID: 37429). Invitae Evidence Modeling of protein sequence and biophysical properties (such as structural, functional, and spatial information, amino acid conservation, physicochemical variation, residue mobility, and thermodynamic stability) indicates that this missense variant is not expected to disrupt BRCA1 protein function with a negative predictive value of 80%. RNA analysis performed to evaluate the impact of this missense change on mRNA splicing indicates it does not significantly alter splicing (internal data). In summary, the available evidence is currently insufficient to determine the role of this variant in disease. Therefore, it has been classified as a Variant of Uncertain Significance.

Ambry Genetics
Classification: Uncertain significance for Hereditary cancer-predisposing syndrome. Last evaluated: 2025-05-04. Review status: criteria provided, single submitter. Criteria: Ambry Variant Classification Scheme 2023. Collection method: clinical testing. Allele origin: germline.
Comment: The p.N609S variant (also known as c.1826A>G), located in coding exon 9 of the BRCA1 gene, results from an A to G substitution at nucleotide position 1826. The asparagine at codon 609 is replaced by serine, an amino acid with highly similar properties. This amino acid position is well conserved in available vertebrate species. In addition, the in silico prediction for this alteration is inconclusive. Since supporting evidence is limited at this time, the clinical significance of this alteration remains unclear.

Women's Health and Genetics/Laboratory Corporation of America, LabCorp
Classification: Uncertain significance. Last evaluated: 2023-07-13. Review status: criteria provided, single submitter. Criteria: LabCorp Variant Classification Summary - May 2015. Collection method: clinical testing. Allele origin: germline.
Comment: Variant summary: BRCA1 c.1826A>G (p.Asn609Ser) results in a conservative amino acid change in the encoded protein sequence. Four of five in-silico tools predict a benign effect of the variant on protein function. The variant was absent in 251062 control chromosomes. The available data on variant occurrences in the general population are insufficient to allow any conclusion about variant significance. c.1826A>G has been reported in the literature in individuals who were referred for BRCA1 and BRCA2 testing at a clinical laboratory (example, Judkins_2005). However, these reports do not provide unequivocal conclusions about association of the variant with Hereditary Breast And Ovarian Cancer Syndrome. At-least one co-occurrence with another pathogenic variant has been observed at laboratory (BRCA2 c.6037A>T, p.Lys2013Ter), providing supporting evidence for a benign role. To our knowledge, no experimental evidence demonstrating an impact on protein function has been reported. The following publications have been ascertained in the context of this evaluation (PMID: 16267036, 16518693, 15385441, 12531920, 23704879). Four submitters have cited clinical-significance assessments for this variant to ClinVar after 2014. Three submitters classified the variant as a variant of uncertain significance and one submitter classified it as likely benign. Based on the evidence outlined above, the variant was classified as VUS-possibly benign.

University of Washington Department of Laboratory Medicine, University of Washington
Classification: Likely benign for Hereditary cancer-predisposing syndrome. Last evaluated: 2023-03-23. Review status: criteria provided, single submitter. Criteria: Dines et al. (Genet Med. 2020). Collection method: curation. Allele origin: germline.
Comment: Missense variant in a coldspot region where missense variants are very unlikely to be pathogenic (PMID:31911673).

BRCA1 coldspot (exon 11 using historical exon numbering). Reclassification based on statistical prior probability

GeneDx
Classification: Uncertain significance. Last evaluated: 2020-07-06. Review status: criteria provided, single submitter. Criteria: GeneDx Variant Classification Process June 2021. Collection method: clinical testing. Allele origin: germline. Affected: yes.
Comment: Not observed in large population cohorts (Lek 2016); In silico analysis supports that this missense variant has a deleterious effect on protein structure/function; Observed in individuals undergoing BRCA1 and BRCA2 testing at a clinical laboratory (Judkins 2005); Also known as 1945A>G; This variant is associated with the following publications: (PMID: 12531920, 23704879, 16518693, 16267036)

Sharing Clinical Reports Project (SCRP)
Classification: Uncertain significance for Breast-ovarian cancer, familial 1. Last evaluated: 2006-04-12. Review status: no assertion criteria provided. Collection method: clinical testing. Allele origin: germline. Not counted in ClinVar's aggregate classification.

Breast Cancer Information Core (BIC) (BRCA1)
Classification: Uncertain significance for Breast-ovarian cancer, familial 1. Last evaluated: 2002-05-29. Review status: no assertion criteria provided. Collection method: clinical testing. Allele origin: germline. Affected: yes. Observed: 1 variant allele. Not counted in ClinVar's aggregate classification.

Literature cited by the submitters: PubMed 16267036 (cited by Women's Health and Genetics/Laboratory Corporation of America, LabCorp); PubMed 16518693 (cited by Women's Health and Genetics/Laboratory Corporation of America, LabCorp); PubMed 15385441 (cited by Women's Health and Genetics/Laboratory Corporation of America, LabCorp); PubMed 12531920 (cited by Women's Health and Genetics/Laboratory Corporation of America, LabCorp); PubMed 23704879 (cited by Women's Health and Genetics/Laboratory Corporation of America, LabCorp).